The following is an entry in ClinVar:

NM_001122955.4(BSCL2):c.166G>A (p.Gly56Arg)

Genes: BSCL2 (BSCL2 lipid droplet biogenesis associated, seipin; minus strand), HNRNPUL2-BSCL2 (HNRNPUL2-BSCL2 readthrough (NMD candidate); minus strand). Cytogenetic location: 11q12.3.
Variant type: single nucleotide variant.
Coding change: c.166G>A on transcript NM_001122955.4 (MANE Select); coding-DNA position 166, G replaced by A.
Protein change: p.Gly56Arg; replaces glycine 56 with arginine.
Molecular consequence: missense variant. On other transcripts: non-coding transcript variant (1), 5 prime UTR variant (2).
Genome position (GRCh38, 1-based): chr11:62,705,539, C>T on the plus strand (G>A on the coding strand, the complement: BSCL2 is on the minus strand). VCF-style: chr11-62705539-C-T. GRCh37 (hg19) VCF-style: chr11-62473011-C-T.
Other names: c.-27G>A (NM_001130702.2, NM_032667.6); c.166G>A, p.Gly56Arg (NM_001386027.1, NM_001386028.1); short protein forms G56R.
Identifiers: ClinVar variation 511496 (VCV000511496.3), dbSNP rs1226106958, ClinGen allele CA380970898.

ClinVar aggregate classification (germline): Conflicting classifications of pathogenicity. Review status: criteria provided, conflicting classifications (1 of 4 stars). 2 submissions from 2 submitters: Uncertain significance (1); Likely benign (1). Last evaluated 2025-06-27.

Allele frequency attached by ClinVar (database versions not stated): TOPMed below 0.00001; gnomAD exomes 0.00001.
gnomAD v4.1: 19 of 1,611,340 alleles (0.0012%); highest among the groups gnomAD compares: Admixed American, 0.0017%; no homozygotes.

Submissions (2):

Dasa
Classification: Uncertain significance. Last evaluated: 2025-06-27. Review status: criteria provided, single submitter. Criteria: DASA Assertion Criteria. Collection method: clinical testing. Allele origin: germline.
Comment: NM_001122955.4(BSCL2):c.166G>A (p.Gly56Arg) is a missense variant that results in the substitution of glycine with arginine. This variant is rare in population databases. Computational prediction algorithms are consistent with a benign effect. The currently available literature and clinical evidence are not sufficient to establish a definitive association between this variant and the reported condition. Therefore, this variant is classified as a variant of uncertain significance.

GeneDx
Classification: Likely benign. Last evaluated: 2017-08-17. Review status: criteria provided, single submitter. Criteria: GeneDx Variant Classification (06012015). Collection method: clinical testing. Allele origin: germline. Affected: yes.
Comment: This variant is considered likely benign or benign based on one or more of the following criteria: it is a conservative change, it occurs at a poorly conserved position in the protein, it is predicted to be benign by multiple in silico algorithms, and/or has population frequency not consistent with disease.